The following is an entry in ClinVar:

NM_000135.4(FANCA):c.3880T>C (p.Cys1294Arg)

Genes: FANCA (FA complementation group A; minus strand), ZNF276 (zinc finger protein 276; plus strand). Cytogenetic location: 16q24.3.
Variant type: single nucleotide variant.
Coding change: c.3880T>C on transcript NM_000135.4 (MANE Select); coding-DNA position 3880, T replaced by C.
Protein change: p.Cys1294Arg; replaces cysteine 1294 with arginine.
Molecular consequence: missense variant. On other transcripts: 3 prime UTR variant (2), non-coding transcript variant (4).
Genome position (GRCh38, 1-based): chr16:89,740,048, A>G on the plus strand (T>C on the coding strand, the complement: FANCA is on the minus strand). VCF-style: chr16-89740048-A-G. GRCh37 (hg19) VCF-style: chr16-89806456-A-G.
Other names: c.3880T>C, p.Cys1294Arg (NM_001286167.3); c.*1802A>G (NM_001113525.2, NM_152287.4); short protein forms C1294R.
Identifiers: ClinVar variation 4254264 (VCV004254264.1).

ClinVar aggregate classification (germline): Uncertain significance (1 of 4 stars; one submission).

Conditions:
Inborn genetic diseases. Identifiers: MedGen C0950123, MeSH D030342.

Submission:

Ambry Genetics
Classification: Uncertain significance for Inborn genetic diseases. Last evaluated: 2025-08-04. Review status: criteria provided, single submitter. Criteria: Ambry Variant Classification Scheme 2023. Collection method: clinical testing. Allele origin: germline.
Comment: The p.C1294R variant (also known as c.3880T>C), located in coding exon 39 of the FANCA gene, results from a T to C substitution at nucleotide position 3880. The cysteine at codon 1294 is replaced by arginine, an amino acid with highly dissimilar properties. This amino acid position is conserved. In addition, this alteration is predicted to be deleterious by in silico analysis. Based on the available evidence, the clinical significance of this variant remains unclear.